The following is an entry in ClinVar:

ClinVar aggregate classification (germline): Uncertain significance (1 of 4 stars; one submission).

Allele frequency attached by ClinVar (database versions not stated): gnomAD exomes below 0.00001; ExAC 0.00001; gnomAD 0.00001; TOPMed 0.00001; ESP Exome Variant Server 0.00008.

Submission:

Labcorp Genetics (formerly Invitae), Labcorp
Classification: Uncertain significance. Last evaluated: 2023-08-10. Review status: criteria provided, single submitter. Criteria: Invitae Variant Classification Sherloc (09022015). Collection method: clinical testing. Allele origin: germline.
Comment: This sequence change replaces serine, which is neutral and polar, with cysteine, which is neutral and slightly polar, at codon 692 of the NALCN protein (p.Ser692Cys). In summary, the available evidence is currently insufficient to determine the role of this variant in disease. Therefore, it has been classified as a Variant of Uncertain Significance. Advanced modeling of protein sequence and biophysical properties (such as structural, functional, and spatial information, amino acid conservation, physicochemical variation, residue mobility, and thermodynamic stability) performed at Invitae indicates that this missense variant is not expected to disrupt NALCN protein function. This variant has not been reported in the literature in individuals affected with NALCN-related conditions. This variant is not present in population databases (gnomAD no frequency).

NM_052867.4(NALCN):c.2075C>G (p.Ser692Cys)

Gene: NALCN (sodium leak channel, non-selective; minus strand). Cytogenetic location: 13q33.1.
Variant type: single nucleotide variant.
Coding change: c.2075C>G on transcript NM_052867.4 (MANE Select); coding-DNA position 2075, C replaced by G.
Protein change: p.Ser692Cys; replaces serine 692 with cysteine.
Molecular consequence: missense variant.
Genome position (GRCh38, 1-based): chr13:101,143,123, G>C on the plus strand (C>G on the coding strand, the complement: NALCN is on the minus strand). VCF-style: chr13-101143123-G-C. GRCh37 (hg19) VCF-style: chr13-101795474-G-C.
Other names: c.2075C>G, p.Ser692Cys (NM_001350748.2, NM_001350749.2); c.1988C>G, p.Ser663Cys (NM_001350750.2, NM_001350751.2); short protein forms S692C, S663C.
Identifiers: ClinVar variation 2740224 (VCV002740224.3), dbSNP rs371030927, ClinGen allele CA7035983.